The following is an entry in ClinVar:

ClinVar aggregate classification (germline): Conflicting classifications of pathogenicity. Review status: criteria provided, conflicting classifications (1 of 4 stars). 2 submissions from 2 submitters: Uncertain significance (1); Likely benign (1). Last evaluated 2023-03-23.

Conditions:
Hereditary cancer-predisposing syndrome. Also called: Neoplastic Syndromes, Hereditary; Tumor predisposition; Hereditary neoplastic syndrome; Hereditary Cancer Syndrome. Identifiers: Orphanet 140162, MedGen C0027672, MeSH D009386, MONDO:0015356.
Hereditary breast ovarian cancer syndrome. Also called: BRCA1- and BRCA2-Associated Hereditary Breast and Ovarian Cancer; Hereditary breast and ovarian cancer; Hereditary breast and ovarian cancer syndrome; Hereditary breast and ovarian cancer syndrome (HBOC); Breast and ovarian cancer; Hereditary breast and/or ovarian cancer syndrome. Identifiers: Orphanet 145, MedGen C0677776, MeSH D061325, MONDO:0003582. Disease mechanism: loss of function.

Submissions (2):

University of Washington Department of Laboratory Medicine, University of Washington
Classification: Likely benign for Hereditary cancer-predisposing syndrome. Last evaluated: 2023-03-23. Review status: criteria provided, single submitter. Criteria: Dines et al. (Genet Med. 2020). Collection method: curation. Allele origin: germline.
Comment: Missense variant in a coldspot region where missense variants are very unlikely to be pathogenic (PMID:31911673).

BRCA1 coldspot (exon 11 using historical exon numbering). Reclassification based on statistical prior probability

Labcorp Genetics (formerly Invitae), Labcorp
Classification: Uncertain significance for Hereditary breast ovarian cancer syndrome. Last evaluated: 2022-01-31. Review status: criteria provided, single submitter. Criteria: Invitae Variant Classification Sherloc (09022015). Collection method: clinical testing. Allele origin: germline.
Comment: This sequence change replaces serine, which is neutral and polar, with phenylalanine, which is neutral and non-polar, at codon 1211 of the BRCA1 protein (p.Ser1211Phe). This variant is not present in population databases (gnomAD no frequency). This variant has not been reported in the literature in individuals affected with BRCA1-related conditions. Advanced modeling of protein sequence and biophysical properties (such as structural, functional, and spatial information, amino acid conservation, physicochemical variation, residue mobility, and thermodynamic stability) performed at Invitae indicates that this missense variant is not expected to disrupt BRCA1 protein function. In summary, the available evidence is currently insufficient to determine the role of this variant in disease. Therefore, it has been classified as a Variant of Uncertain Significance.

NM_007294.4(BRCA1):c.3632C>T (p.Ser1211Phe)

Genes: BRCA1 (BRCA1 DNA repair associated; minus strand), LOC126862571 (BRD4-independent group 4 enhancer GRCh37_chr17:41243136-41244335; plus strand). Cytogenetic location: 17q21.31.
Variant type: single nucleotide variant.
Coding change: c.3632C>T on transcript NM_007294.4 (MANE Select); coding-DNA position 3632, C replaced by T.
Protein change: p.Ser1211Phe; replaces serine 1211 with phenylalanine.
Molecular consequence: missense variant. On other transcripts: intron variant (135).
Genome position (GRCh38, 1-based): chr17:43,091,899, G>A on the plus strand (C>T on the coding strand, the complement: BRCA1 is on the minus strand). VCF-style: chr17-43091899-G-A. GRCh37 (hg19) VCF-style: chr17-41243916-G-A.
Other names: c.578-867C>T (NM_001408478.1, NM_001408484.1, NM_001408514.1 and 9 more transcripts); c.662-867C>T (NM_001408450.1, NM_001408434.1, NM_001408447.1 and 6 more transcripts); c.785-867C>T (NM_001408398.1, NM_001407992.1, NM_001408400.1 and 13 more transcripts); c.665-867C>T (NM_001408440.1, NM_001408428.1, NM_001408441.1 and 12 more transcripts); c.671-867C>T (NM_001408418.1, NM_001408422.1, NM_001408423.1 and 2 more transcripts); c.707-867C>T (NM_001408416.1, NM_001408413.1); c.788-867C>T (NM_001407981.1, NM_007298.4, NM_001407978.1 and 17 more transcripts); c.644-867C>T (NM_001408462.1, NM_001408470.1, NM_001408464.1 and 3 more transcripts); and 41 more; short protein forms S1211F, S1164F, S1084F, S1141F, S1143F, S1210F, S1099F, S1100F.
Identifiers: ClinVar variation 1353153 (VCV001353153.9), dbSNP rs1555587377, ClinGen allele CA10594702.